The following is an entry in ClinVar:

NM_003238.6(TGFB2):c.731A>T (p.Glu244Val)

Gene: TGFB2 (transforming growth factor beta 2; plus strand). Cytogenetic location: 1q41.
Variant type: single nucleotide variant.
Coding change: c.731A>T on transcript NM_003238.6 (MANE Select); coding-DNA position 731, A replaced by T.
Protein change: p.Glu244Val; replaces glutamic acid 244 with valine.
Molecular consequence: missense variant. On other transcripts: non-coding transcript variant (2).
Genome position (GRCh38, 1-based): chr1:218,434,425, A>T. VCF-style: chr1-218434425-A-T. GRCh37 (hg19) VCF-style: chr1-218607767-A-T.
Other names: c.815A>T, p.Glu272Val (NM_001135599.4); short protein forms E244V, E272V.
Identifiers: ClinVar variation 3650226 (VCV003650226.2).

ClinVar aggregate classification (germline): Uncertain significance (1 of 4 stars; one submission).

Conditions:
Loeys-Dietz syndrome 4 (LDS4). Also called: ANEURYSM, AORTIC AND CEREBRAL, WITH ARTERIAL TORTUOSITY AND SKELETAL MANIFESTATIONS; TGFB2-Related Loeys-Dietz Syndrome. Identifiers: MedGen C3553762, MONDO:0013897, OMIM 614816.

Submission:

Labcorp Genetics (formerly Invitae), Labcorp
Classification: Uncertain significance for Loeys-Dietz syndrome 4. Last evaluated: 2024-04-17. Review status: criteria provided, single submitter. Criteria: Invitae Variant Classification Sherloc (09022015). Collection method: clinical testing. Allele origin: germline.
Comment: This sequence change replaces glutamic acid, which is acidic and polar, with valine, which is neutral and non-polar, at codon 244 of the TGFB2 protein (p.Glu244Val). This variant is not present in population databases (gnomAD no frequency). This variant has not been reported in the literature in individuals affected with TGFB2-related conditions. Advanced modeling of protein sequence and biophysical properties (such as structural, functional, and spatial information, amino acid conservation, physicochemical variation, residue mobility, and thermodynamic stability) performed at Invitae indicates that this missense variant is not expected to disrupt TGFB2 protein function with a negative predictive value of 80%. Algorithms developed to predict the effect of sequence changes on RNA splicing suggest that this variant may disrupt the consensus splice site. In summary, the available evidence is currently insufficient to determine the role of this variant in disease. Therefore, it has been classified as a Variant of Uncertain Significance.